The following is an entry in ClinVar:

NM_001321075.3(DLG4):c.1740C>T (p.Tyr580=)

Gene: DLG4 (discs large MAGUK scaffold protein 4; minus strand). Cytogenetic location: 17p13.1.
Variant type: single nucleotide variant.
Coding change: c.1740C>T on transcript NM_001321075.3 (MANE Select); coding-DNA position 1740, C replaced by T.
Protein change: p.Tyr580=; no amino-acid change (tyrosine 580 retained).
Molecular consequence: synonymous variant. On other transcripts: non-coding transcript variant (1).
Genome position (GRCh38, 1-based): chr17:7,193,071, G>A on the plus strand (C>T on the coding strand, the complement: DLG4 is on the minus strand). VCF-style: chr17-7193071-G-A. GRCh37 (hg19) VCF-style: chr17-7096390-G-A.
Other names: c.1731C>T, p.Tyr577= (NM_001128827.4); c.1860C>T, p.Tyr620= (NM_001321074.1); c.1560C>T, p.Tyr520= (NM_001321076.3, NM_001321077.3); c.1869C>T, p.Tyr623= (NM_001365.5); c.1659C>T, p.Tyr553= (NM_001369566.3).
Identifiers: ClinVar variation 779280 (VCV000779280.37), dbSNP rs35441057, ClinGen allele CA8336847.

ClinVar aggregate classification (germline): Benign/Likely benign. Review status: criteria provided, multiple submitters, no conflicts (2 of 4 stars). 4 submissions from 4 submitters: Benign (2); Likely benign (2). Last evaluated 2026-09-01.

Allele frequency attached by ClinVar (database versions not stated): gnomAD 0.00389 and 0.00381; ESP Exome Variant Server 0.00397; gnomAD exomes 0.00406 and 0.00494; 1000 Genomes Project 0.00140; 1000 Genomes Project 30x 0.00156; ExAC 0.00380; TOPMed 0.00380.
gnomAD v4.1: 7,775 of 1,613,792 alleles (0.48%); highest among the groups gnomAD compares: Non-Finnish European, 0.57%; 24 homozygotes.

Submissions (4):

CeGaT Center for Human Genetics Tuebingen
Classification: Likely benign. Last evaluated: 2026-09-01. Review status: criteria provided, single submitter. Criteria: CeGaT Center For Human Genetics Tuebingen Variant Classification Criteria Version 2. Collection method: clinical testing. Allele origin: germline. Affected: yes. Observed: 21 variant alleles.
Comment: DLG4: BP4, BP7, BS2

Blueprint Genetics
Classification: Likely benign. Last evaluated: 2024-11-26. Review status: criteria provided, single submitter. Criteria: ACMG Guidelines, 2015. Collection method: clinical testing. Allele origin: germline.

Labcorp Genetics (formerly Invitae), Labcorp
Classification: Benign. Last evaluated: 2019-12-31. Review status: criteria provided, single submitter. Criteria: Invitae Variant Classification Sherloc (09022015). Collection method: clinical testing. Allele origin: germline.

Breakthrough Genomics
Classification: Benign. Review status: criteria provided, single submitter. Criteria: ACMG Guidelines, 2015. Collection method: not provided. Allele origin: germline. Inheritance: Autosomal dominant inheritance. Affected: yes.